The following is an entry in ClinVar:

NM_001377540.1(SLMAP):c.1501+4C>T

Gene: SLMAP (sarcolemma associated protein; plus strand). Cytogenetic location: 3p14.3.
Variant type: single nucleotide variant.
Coding change: c.1501+4C>T on transcript NM_001377540.1 (MANE Select); 4 bases into the intron after coding-DNA position 1501, C replaced by T.
Molecular consequence: intron variant.
Genome position (GRCh38, 1-based): chr3:57,896,936, C>T. VCF-style: chr3-57896936-C-T. GRCh37 (hg19) VCF-style: chr3-57882663-C-T.
Other names: c.1501+4C>T (NM_001377538.1, NM_001377539.1, NM_001377555.1); c.1438+4C>T (NM_001377545.1, NM_001377922.1); c.1450+4C>T (NM_001377541.1, NM_001304420.3, NM_001377562.1 and 2 more transcripts); c.1387+4C>T (NM_001377552.1, NM_001377551.1, NM_001377924.1); c.1399+4C>T (NM_001377549.1, NM_007159.5, NM_001377923.1); c.1336+4C>T (NM_001377559.1, NM_001377557.1, NM_001377925.1 and 1 more transcripts); c.52+4C>T (NM_001311178.2, NM_001304422.3, NM_001377927.1 and 4 more transcripts).
Identifiers: ClinVar variation 1493608 (VCV001493608.6), dbSNP rs539985706, ClinGen allele CA75411386.

ClinVar aggregate classification (germline): Uncertain significance (1 of 4 stars; one submission).

Conditions:
Brugada syndrome. Also called: Sudden unexplained nocturnal death syndrome; Sudden Unexplained Death Syndrome; Sudden Unexplained Nocturnal Death Syndrome (SUNDS); Sudden unexpected nocturnal death syndrome. Identifiers: Orphanet 130, MedGen C1142166, MONDO:0015263.

Allele frequency attached by ClinVar (database versions not stated): gnomAD exomes below 0.00001; gnomAD 0.00001; 1000 Genomes Project 30x 0.00016; 1000 Genomes Project 0.00020.
gnomAD v4.1: 3 of 1,613,220 alleles (0.00019%); highest among the groups gnomAD compares: East Asian, 0.0067%; no homozygotes.

Submission:

Labcorp Genetics (formerly Invitae), Labcorp
Classification: Uncertain significance for Brugada syndrome. Last evaluated: 2022-08-09. Review status: criteria provided, single submitter. Criteria: Invitae Variant Classification Sherloc (09022015). Collection method: clinical testing. Allele origin: germline.
Comment: In summary, the available evidence is currently insufficient to determine the role of this variant in disease. Therefore, it has been classified as a Variant of Uncertain Significance. Variants that disrupt the consensus splice site are a relatively common cause of aberrant splicing (PMID: 17576681, 9536098). Algorithms developed to predict the effect of sequence changes on RNA splicing suggest that this variant is not likely to affect RNA splicing. ClinVar contains an entry for this variant (Variation ID: 1493608). This variant has not been reported in the literature in individuals affected with SLMAP-related conditions. This variant is not present in population databases (gnomAD no frequency). This sequence change falls in intron 14 of the SLMAP gene. It does not directly change the encoded amino acid sequence of the SLMAP protein. It affects a nucleotide within the consensus splice site.

Literature cited by the submitters: PubMed 17576681; PubMed 9536098.